The following is an entry in ClinVar:

NM_016239.4(MYO15A):c.4423dup (p.Ile1475fs)

Gene: MYO15A (myosin XVA; plus strand). Cytogenetic location: 17p11.2.
Variant type: Duplication.
Coding change: c.4423dup on transcript NM_016239.4 (MANE Select); coding-DNA position 4423, one base duplicated (A; older notation c.4423dupA).
Protein change: p.Ile1475fs; shifts the reading frame from isoleucine 1475.
Molecular consequence: frameshift variant.
Genome position (GRCh38, 1-based): chr17:18,133,327, A duplicated. VCF-style (leftmost placement, unchanged base first): chr17-18133326-C-CA. GRCh37 (hg19) VCF-style: chr17-18036640-C-CA.
Other names: short protein forms I1475fs.
Identifiers: ClinVar variation 2647543 (VCV002647543.24), dbSNP rs2545227315, ClinGen allele CA2695201259.
Genomic context (GRCh38, chr17:18,133,326, plus strand): 5'-CTTTCGCCGGCTCCTGGCTGCCATGGAGGTGTTGGGCTTCAGCAGTGAGGACCAGGACAG[C>CA]ATCTTCCGCATCCTGGCCTCCATCCTGCACCTGGGCAACGTCTACTTTGAGAAGTATGAG-3'

ClinVar aggregate classification (germline): Pathogenic (1 of 4 stars; one submission).

Submission:

CeGaT Center for Human Genetics Tuebingen
Classification: Pathogenic. Last evaluated: 2022-08-01. Review status: criteria provided, single submitter. Criteria: CeGaT Center For Human Genetics Tuebingen Variant Classification Criteria Version 2. Collection method: clinical testing. Allele origin: germline. Affected: yes. Observed: 1 variant allele.
Comment: MYO15A: PVS1, PM2